The following is an entry in ClinVar:

ClinVar aggregate classification (germline): Pathogenic (1 of 4 stars; one submission).

Conditions:
Long QT syndrome 1 (LQT1). Identifiers: Orphanet 101016, Orphanet 768, MedGen C4551647, MONDO:0100316, OMIM 192500, MONDO:0008646.

Submission:

Labcorp Genetics (formerly Invitae), Labcorp
Classification: Pathogenic for Long QT syndrome 1. Last evaluated: 2025-07-21. Review status: criteria provided, single submitter. Criteria: Invitae Variant Classification Sherloc (09022015). Collection method: clinical testing. Allele origin: germline.
Comment: This sequence change replaces aspartic acid, which is acidic and polar, with tyrosine, which is neutral and polar, at codon 132 of the CALM2 protein (p.Asp132Tyr). This variant is not present in population databases (gnomAD no frequency). This missense change has been observed in individual(s) with clinical features of CALM2-related conditions (internal data). In at least one individual the variant was observed to be de novo. ClinVar contains an entry for this variant (Variation ID: 1456260). An algorithm developed to predict the effect of missense changes on protein structure and function (PolyPhen-2) suggests that this variant is likely to be disruptive. This variant disrupts the p.Asp132 amino acid residue in CALM2. Other variant(s) that disrupt this residue have been determined to be pathogenic (PMID: 24917665, 27374306, 30354306). This suggests that this residue is clinically significant, and that variants that disrupt this residue are likely to be disease-causing. For these reasons, this variant has been classified as Pathogenic.

Literature cited by the submitters: PubMed 24917665; PubMed 27374306; PubMed 30354306.

NM_001743.6(CALM2):c.394G>T (p.Asp132Tyr)

Gene: CALM2 (calmodulin 2; minus strand). Cytogenetic location: 2p21.
Variant type: single nucleotide variant.
Coding change: c.394G>T on transcript NM_001743.6 (MANE Select); coding-DNA position 394, G replaced by T.
Protein change: p.Asp132Tyr; replaces aspartic acid 132 with tyrosine.
Molecular consequence: missense variant.
Genome position (GRCh38, 1-based): chr2:47,161,750, C>A on the plus strand (G>T on the coding strand, the complement: CALM2 is on the minus strand). VCF-style: chr2-47161750-C-A. GRCh37 (hg19) VCF-style: chr2-47388889-C-A.
Other names: c.538G>T, p.Asp180Tyr (NM_001305624.1); c.286G>T, p.Asp96Tyr (NM_001305625.2, NM_001305626.1); short protein forms D180Y, D96Y, D132Y.
Identifiers: ClinVar variation 1456260 (VCV001456260.8), dbSNP rs2103823612, ClinGen allele CA346719051.
Genomic context (GRCh38, chr2:47,161,750, plus strand): 5'-GTGAAGAATGAGGCGTGAGACTGAAACATTTACCTTCATAGTTTACTTGACCATCACCAT[C>A]AATATCTGCTTCCCTGATCATTTCATCAACTTCTTCATCTGTTAACTTCTCTCCAAGGTT-3'
Protein context (NP_001734.1, residues 122-142): VDEMIREADI[Asp132Tyr]GDGQVNYEEF